The following is an entry in ClinVar:

ClinVar aggregate classification (germline): Pathogenic (1 of 4 stars; one submission).

Submission:

Labcorp Genetics (formerly Invitae), Labcorp
Classification: Pathogenic. Last evaluated: 2022-08-20. Review status: criteria provided, single submitter. Criteria: Invitae Variant Classification Sherloc (09022015). Collection method: clinical testing. Allele origin: germline.
Comment: A gross deletion of the genomic region encompassing the full coding sequence of the NFIA gene has been identified. Loss-of-function variants in NFIA are known to be pathogenic (PMID: 27081522, 31730271). The boundaries of this event are unknown as they extend beyond the assayed region for this gene and therefore may encompass additional genes. Isolated whole-gene deletions of NFIA have not been reported in the literature. However, larger copy number events that include this gene have been reported (PMID: 24098143, 31754721, 33288889). For these reasons, this variant has been classified as Pathogenic.

Literature cited by the submitters: PubMed 27081522; PubMed 31730271; PubMed 24098143; PubMed 31754721; PubMed 33288889.

NC_000001.10:g.(?_61548464)_(67861772_?)del

Genes: DNAI4 (dynein axonemal intermediate chain 4; minus strand), AK4 (adenylate kinase 4; plus strand), ALG6 (ALG6 alpha-1,3-glucosyltransferase; plus strand), ANGPTL3 (angiopoietin like 3; plus strand), ATG4C (autophagy related 4C cysteine peptidase; plus strand) and 29 more. Cytogenetic location: 1p31.3.
Variant type: Deletion.
Identifiers: ClinVar variation 2425382 (VCV002425382.4).